The following is an entry in ClinVar:

ClinVar aggregate classification (germline): Benign/Likely benign. Review status: criteria provided, multiple submitters, no conflicts (2 of 4 stars). 5 submissions from 5 submitters: Benign (2); Likely benign (2). 1 of the submissions does not count toward it. Last evaluated 2026-06-01.

Conditions:
EDAR-related disorder. Also called: EDAR-related condition.
Autosomal recessive hypohidrotic ectodermal dysplasia syndrome. Also called: Autosomal recessive hypohidrotic ectodermal dysplasia. Identifiers: Orphanet 248, MedGen C0406702, MONDO:0016619.
Ectodermal dysplasia 10A, hypohidrotic/hair/nail type, autosomal dominant (ECTD10A). Also called: Ectodermal Dysplasia 3, Anhidrotic. Identifiers: Orphanet 1810, Orphanet 238468, MedGen C3888065, MONDO:0007509, OMIM 129490.
Hypohidrotic ectodermal dysplasia (HED). Identifiers: Orphanet 238468, MedGen C5848103, MONDO:0016535, HP:0007607.

Allele frequency attached by ClinVar (database versions not stated): ESP Exome Variant Server 0.00031; gnomAD 0.00043 and 0.00058; TOPMed 0.00053; 1000 Genomes Project 30x 0.00125; gnomAD exomes 0.00127; ExAC 0.00131; 1000 Genomes Project 0.00160.
gnomAD v4.1: 1,705 of 1,614,146 alleles (0.11%); highest among the groups gnomAD compares: South Asian, 0.53%; 9 homozygotes.

Submissions (5):

CeGaT Center for Human Genetics Tuebingen
Classification: Likely benign. Last evaluated: 2026-06-01. Review status: criteria provided, single submitter. Criteria: CeGaT Center For Human Genetics Tuebingen Variant Classification Criteria Version 2. Collection method: clinical testing. Allele origin: germline. Affected: yes. Observed: 2 variant alleles.
Comment: EDAR: BP4, BP7

Labcorp Genetics (formerly Invitae), Labcorp
Classification: Benign for Ectodermal dysplasia 10A, hypohidrotic/hair/nail type, autosomal dominant; Autosomal recessive hypohidrotic ectodermal dysplasia syndrome. Last evaluated: 2025-10-09. Review status: criteria provided, single submitter. Criteria: Invitae Variant Classification Sherloc (09022015). Collection method: clinical testing. Allele origin: germline.

Blueprint Genetics
Classification: Likely benign. Last evaluated: 2024-11-21. Review status: criteria provided, single submitter. Criteria: ACMG Guidelines, 2015. Collection method: clinical testing. Allele origin: germline.

Illumina Laboratory Services, Illumina
Classification: Benign for Hypohidrotic ectodermal dysplasia. Last evaluated: 2018-01-12. Review status: criteria provided, single submitter. Criteria: ICSL Variant Classification Criteria 13 December 2019. Collection method: clinical testing. Allele origin: germline.
Comment: This variant was observed in the ICSL laboratory as part of a predisposition screen in an ostensibly healthy population. It had not been previously curated by ICSL or reported in the Human Gene Mutation Database (HGMD: prior to June 1st, 2018), and was therefore a candidate for classification through an automated scoring system. Utilizing variant allele frequency, disease prevalence and penetrance estimates, and inheritance mode, an automated score was calculated to assess if this variant is too frequent to cause the disease. Based on the score and internal cut-off values, a variant classified as benign is not then subjected to further curation. The score for this variant resulted in a classification of benign for this disease.

PreventionGenetics, part of Exact Sciences
Classification: Likely benign for EDAR-related condition. Last evaluated: 2019-03-21. Review status: no assertion criteria provided. Collection method: clinical testing. Allele origin: germline. Not counted in ClinVar's aggregate classification.
Comment: This variant is classified as likely benign based on ACMG/AMP sequence variant interpretation guidelines (Richards et al. 2015 PMID: 25741868, with internal and published modifications).

NM_022336.4(EDAR):c.243A>G (p.Lys81=)

Genes: EDAR (ectodysplasin A receptor; minus strand), RANBP2 (RAN binding protein 2; plus strand). Cytogenetic location: 2q13.
Variant type: single nucleotide variant.
Coding change: c.243A>G on transcript NM_022336.4 (MANE Select); coding-DNA position 243, A replaced by G.
Protein change: p.Lys81=; no amino-acid change (lysine 81 retained).
Molecular consequence: synonymous variant.
Genome position (GRCh38, 1-based): chr2:108,929,311, T>C on the plus strand (A>G on the coding strand, the complement: EDAR is on the minus strand). VCF-style: chr2-108929311-T-C. GRCh37 (hg19) VCF-style: chr2-109545767-T-C.
Identifiers: ClinVar variation 702817 (VCV000702817.38), dbSNP rs145518416, ClinGen allele CA1825142.